The following is an entry in ClinVar:

ClinVar aggregate classification (germline): Conflicting classifications of pathogenicity. Review status: criteria provided, conflicting classifications (1 of 4 stars). 6 submissions from 6 submitters: Uncertain significance (5); Likely benign (1). Last evaluated 2026-09-04.

Conditions:
Connective tissue disorder. Also called: Connective tissue disease. Identifiers: MedGen C0009782, MONDO:0003900.
Ehlers-Danlos syndrome, classic type, 1 (EDSCL1). Also called: EDS I; EHLERS-DANLOS SYNDROME, GRAVIS TYPE; EHLERS-DANLOS SYNDROME, SEVERE CLASSIC TYPE; Ehlers-Danlos syndrome, type 1; Ehlers-Danlos Syndrome, Classic Type, COL5A1-Related. Identifiers: MedGen C0268335, MONDO:0019567, OMIM 130000.
Ehlers-Danlos syndrome, classic type, 2 (EDSCL2). Also called: Ehlers-Danlos syndrome type 2 (formerly); Ehlers-Danlos syndrome, type 2; Ehlers-Danlos Syndrome, Classic Type, COL5A2-Related. Identifiers: Orphanet 287, Orphanet 90318, MedGen C0268336, MONDO:0019568, OMIM 130010.

Allele frequency attached by ClinVar (database versions not stated): gnomAD exomes below 0.00001; gnomAD 0.00001; TOPMed 0.00002.

Submissions (6):

GeneDx
Classification: Uncertain significance. Last evaluated: 2026-09-04. Review status: criteria provided, single submitter. Criteria: GeneDx Variant Classification Process June 2021. Collection method: clinical testing. Allele origin: germline.
Comment: Not observed at significant frequency in large population cohorts (gnomAD); Has not been previously published as pathogenic or benign to our knowledge; In silico analysis supports that this missense variant has a deleterious effect on protein structure/function

Labcorp Genetics (formerly Invitae), Labcorp
Classification: Likely benign for Ehlers-Danlos syndrome, classic type, 1. Last evaluated: 2025-09-27. Review status: criteria provided, single submitter. Criteria: Invitae Variant Classification Sherloc (09022015). Collection method: clinical testing. Allele origin: germline.

Women's Health and Genetics/Laboratory Corporation of America, LabCorp
Classification: Uncertain significance. Last evaluated: 2024-06-04. Review status: criteria provided, single submitter. Criteria: LabCorp Variant Classification Summary - May 2015. Collection method: clinical testing. Allele origin: germline.

Revvity Omics, Revvity
Classification: Uncertain significance for Ehlers-Danlos syndrome, classic type, 2. Last evaluated: 2022-11-02. Review status: criteria provided, single submitter. Criteria: ACMG Guidelines, 2015. Collection method: clinical testing. Allele origin: germline.

Mayo Clinic Laboratories, Mayo Clinic
Classification: Uncertain significance. Last evaluated: 2022-06-15. Review status: criteria provided, single submitter. Criteria: ACMG Guidelines, 2015. Collection method: clinical testing. Allele origin: germline. Observed: 1 variant allele.

Center for Human Genetics, Inc
Classification: Uncertain significance for Connective tissue disorder. Last evaluated: 2018-06-01. Review status: criteria provided, single submitter. Criteria: ACMG Guidelines, 2015. Collection method: clinical testing. Allele origin: germline. Affected: yes.

NM_000393.5(COL5A2):c.1693G>A (p.Glu565Lys)

Gene: COL5A2 (collagen type V alpha 2 chain; minus strand). Cytogenetic location: 2q32.2.
Variant type: single nucleotide variant.
Coding change: c.1693G>A on transcript NM_000393.5 (MANE Select); coding-DNA position 1693, G replaced by A.
Protein change: p.Glu565Lys; replaces glutamic acid 565 with lysine.
Molecular consequence: missense variant.
Genome position (GRCh38, 1-based): chr2:189,064,580, C>T on the plus strand (G>A on the coding strand, the complement: COL5A2 is on the minus strand). VCF-style: chr2-189064580-C-T. GRCh37 (hg19) VCF-style: chr2-189929306-C-T.
Other names: p.Glu565Lys; short protein forms E565K.
Identifiers: ClinVar variation 561294 (VCV000561294.15), dbSNP rs730880066, ClinGen allele CA62554493.
Genomic context (GRCh38, chr2:189,064,580, plus strand): 5'-TCCCCTTTGATGTAGCAAACACTTGCTATATTCTTACCCGAGCACCTGGAAGCCCAGGTT[C>T]CCCTGGACGTCCTGGATCCCCCTGGCTTCCTTTGGGTCCTGAAGAACCTACAGGACCCCG-3'
Protein context (NP_000384.2, residues 555-575): GSQGDPGRPG[Glu565Lys]PGLPGARGLT